The following is an entry in ClinVar:

NM_001384474.1(LOXHD1):c.2871_2888dup (p.Ser965_Glu966insSerGluGluSerSerSer)

Gene: LOXHD1 (lipoxygenase homology PLAT domains 1; minus strand). Cytogenetic location: 18q21.1.
Variant type: Duplication.
Coding change: c.2871_2888dup on transcript NM_001384474.1 (MANE Select); coding-DNA positions 2871 to 2888, 18 bases duplicated (GTCCTCATCAGAGGAGTC).
Protein change: p.Ser965_Glu966insSerGluGluSerSerSer.
Molecular consequence: inframe insertion.
Genome position (GRCh38, 1-based): chr18:46,560,256-46,560,273, GACTCCTCTGATGAGGAC duplicated on the plus strand (GTCCTCATCAGAGGAGTC on the coding strand, the reverse complement: LOXHD1 is on the minus strand); duplicating any 18 consecutive bases within chr18:46,560,256-46,560,282 gives the same sequence; the c. name uses the placement nearest the transcript's 3' end. VCF-style (leftmost placement, unchanged base first): chr18-46560255-G-GGACTCCTCTGATGAGGAC. GRCh37 (hg19) VCF-style: chr18-44140218-G-GGACTCCTCTGATGAGGAC.
Other names: p.Ser960_Ser965dup; c.2871_2888dup, p.Ser965_Glu966insSerGluGluSerSerSer (NM_144612.7).
Identifiers: ClinVar variation 4542260 (VCV004542260.1).

ClinVar aggregate classification (germline): Uncertain significance (1 of 4 stars; one submission).

Submission:

Mayo Clinic Laboratories, Mayo Clinic
Classification: Uncertain significance. Last evaluated: 2024-10-16. Review status: criteria provided, single submitter. Criteria: ACMG Guidelines, 2015. Collection method: clinical testing. Allele origin: germline. Observed: 1 variant allele.
Comment: BP4, PM2_supporting